The following is an entry in ClinVar:

ClinVar aggregate classification (germline): Uncertain significance (1 of 4 stars; one submission).

Submission:

Labcorp Genetics (formerly Invitae), Labcorp
Classification: Uncertain significance. Last evaluated: 2023-04-09. Review status: criteria provided, single submitter. Criteria: Invitae Variant Classification Sherloc (09022015). Collection method: clinical testing. Allele origin: germline.
Comment: In summary, the available evidence is currently insufficient to determine the role of this variant in disease. Therefore, it has been classified as a Variant of Uncertain Significance. Advanced modeling of protein sequence and biophysical properties (such as structural, functional, and spatial information, amino acid conservation, physicochemical variation, residue mobility, and thermodynamic stability) has been performed at Invitae for this missense variant, however the output from this modeling did not meet the statistical confidence thresholds required to predict the impact of this variant on SAMD9 protein function. This sequence change replaces threonine, which is neutral and polar, with arginine, which is basic and polar, at codon 201 of the SAMD9 protein (p.Thr201Arg). This variant is not present in population databases (gnomAD no frequency). This variant has not been reported in the literature in individuals affected with SAMD9-related conditions.

NM_017654.4(SAMD9):c.602C>G (p.Thr201Arg)

Gene: SAMD9 (sterile alpha motif domain containing 9; minus strand). Cytogenetic location: 7q21.2.
Variant type: single nucleotide variant.
Coding change: c.602C>G on transcript NM_017654.4 (MANE Select); coding-DNA position 602, C replaced by G.
Protein change: p.Thr201Arg; replaces threonine 201 with arginine.
Molecular consequence: missense variant.
Genome position (GRCh38, 1-based): chr7:93,105,496, G>C on the plus strand (C>G on the coding strand, the complement: SAMD9 is on the minus strand). VCF-style: chr7-93105496-G-C. GRCh37 (hg19) VCF-style: chr7-92734809-G-C.
Other names: c.602C>G, p.Thr201Arg (NM_001193307.2); short protein forms T201R.
Identifiers: ClinVar variation 2853878 (VCV002853878.3), dbSNP rs760045627, ClinGen allele CA368204517.